The following is an entry in ClinVar:

NM_001378454.1(ALMS1):c.3874A>G (p.Lys1292Glu)

Gene: ALMS1 (ALMS1 centrosome and basal body associated protein; plus strand). Cytogenetic location: 2p13.1.
Variant type: single nucleotide variant.
Coding change: c.3874A>G on transcript NM_001378454.1 (MANE Select); coding-DNA position 3874, A replaced by G.
Protein change: p.Lys1292Glu; replaces lysine 1292 with glutamic acid.
Molecular consequence: missense variant.
Genome position (GRCh38, 1-based): chr2:73,450,401, A>G. VCF-style: chr2-73450401-A-G. GRCh37 (hg19) VCF-style: chr2-73677528-A-G.
Other names: c.3877A>G, p.Lys1293Glu (NM_015120.4); short protein forms K1293E, K1292E.
Identifiers: ClinVar variation 1364820 (VCV001364820.6), dbSNP rs2103780517, ClinGen allele CA347276976.

ClinVar aggregate classification (germline): Uncertain significance (1 of 4 stars; one submission).

Conditions:
Alstrom syndrome (ALMS). Identifiers: Orphanet 64, MedGen C0268425, MONDO:0008763, OMIM 203800.

Submission:

Labcorp Genetics (formerly Invitae), Labcorp
Classification: Uncertain significance for Alstrom syndrome. Last evaluated: 2022-08-16. Review status: criteria provided, single submitter. Criteria: Invitae Variant Classification Sherloc (09022015). Collection method: clinical testing. Allele origin: germline.
Comment: In summary, the available evidence is currently insufficient to determine the role of this variant in disease. Therefore, it has been classified as a Variant of Uncertain Significance. ClinVar contains an entry for this variant (Variation ID: 1364820). This variant has not been reported in the literature in individuals affected with ALMS1-related conditions. This variant is not present in population databases (gnomAD no frequency). This sequence change replaces lysine with glutamic acid at codon 1293 of the ALMS1 protein (p.Lys1293Glu). The lysine residue is weakly conserved and there is a small physicochemical difference between lysine and glutamic acid.